The following is an entry in ClinVar:

ClinVar aggregate classification (germline): Uncertain significance. Review status: criteria provided, single submitter (1 of 4 stars). 2 submissions from 2 submitters: Uncertain significance (1). 1 of the submissions does not count toward it. Last evaluated 2017-04-25.

Conditions:
Very long chain acyl-CoA dehydrogenase deficiency (ACADVLD). Also called: Very Long-Chain Acyl-Coenzyme A Dehydrogenase Deficiency; VLCAD Deficiency. Identifiers: Orphanet 26793, MedGen C3887523, MONDO:0008723, OMIM 201475.

Submissions (2):

GeneDx
Classification: Uncertain significance. Last evaluated: 2017-04-25. Review status: criteria provided, single submitter. Criteria: GeneDx Variant Classification (06012015). Collection method: clinical testing. Allele origin: germline. Affected: yes.
Comment: The D123G variant has not been published as a pathogenic variant, nor has it been reported as abenign variant to our knowledge. The D123G variant is not observed in large population cohorts (Leket al., 2016; 1000 Genomes Consortium et al., 2015; Exome Variant Server). The D123G variant is anon-conservative amino acid substitution, which is likely to impact secondary protein structure asthese residues differ in polarity, charge, size and/or other properties. This substitution occurs at aposition where amino acids with similar properties to Aspartic acid are tolerated across species. Insilico analysis predicts this variant is probably damaging to the protein structure/function. In summary,based on the currently available information, it is unclear whether this variant is a pathogenic variantor a rare benign variant.

Natera, Inc.
Classification: Uncertain significance for Very long chain acyl-CoA dehydrogenase deficiency. Last evaluated: 2021-04-26. Review status: no assertion criteria provided. Collection method: clinical testing. Allele origin: germline. Not counted in ClinVar's aggregate classification.

NM_000018.4(ACADVL):c.368A>G (p.Asp123Gly)

Gene: ACADVL (acyl-CoA dehydrogenase very long chain; plus strand). Cytogenetic location: 17p13.1.
Variant type: single nucleotide variant.
Coding change: c.368A>G on transcript NM_000018.4 (MANE Select); coding-DNA position 368, A replaced by G.
Protein change: p.Asp123Gly; replaces aspartic acid 123 with glycine.
Molecular consequence: missense variant.
Genome position (GRCh38, 1-based): chr17:7,220,949, A>G. VCF-style: chr17-7220949-A-G. GRCh37 (hg19) VCF-style: chr17-7124268-A-G.
Other names: c.302A>G, p.Asp101Gly (NM_001033859.3); c.437A>G, p.Asp146Gly (NM_001270447.2); c.140A>G, p.Asp47Gly (NM_001270448.2); short protein forms D123G, D146G, D47G, D101G.
Identifiers: ClinVar variation 429291 (VCV000429291.3), dbSNP rs1131691301, ClinGen allele CA397722756.